The following is an entry in ClinVar:

ClinVar aggregate classification (germline): Conflicting classifications of pathogenicity. Review status: criteria provided, conflicting classifications (1 of 4 stars). 5 submissions from 5 submitters: Uncertain significance (3); Likely benign (2). Last evaluated 2025-11-12.

Conditions:
TTN-related disorder. Also called: TTN-related condition; TTN-related disease; TTN-related disorders.

Allele frequency attached by ClinVar (database versions not stated): ExAC 0.00002; TOPMed 0.00005; ESP Exome Variant Server 0.00008; gnomAD 0.00010.
gnomAD v4.1: 99 of 1,613,158 alleles (0.0061%); highest among the groups gnomAD compares: African/African-American, 0.02%; no homozygotes.

Submissions (5):

PreventionGenetics, part of Exact Sciences
Classification: Uncertain significance for TTN-related condition. Last evaluated: 2025-11-12. Review status: criteria provided, single submitter. Criteria: ACMG Guidelines, 2015. Collection method: clinical testing. Allele origin: germline.
Comment: The TTN c.16394G>A variant is predicted to result in the amino acid substitution p.Arg5465Gln. This variant is also referred to as c.16394G>A (p.Arg5465Gln) in the Novex-3 transcript NM_133379. This variant is located in exon 46 of the Novex-3 transcript (minor small cardiac isoform) which is the last exon of this transcript. This exon is not included in any other TTN transcripts (principle cardiac or skeletal muscle isoforms). To our knowledge, this variant has not been reported in the literature. This variant is reported in 0.012% of alleles in individuals of African descent in gnomAD. At this time, the clinical significance of this variant is uncertain due to the absence of conclusive functional and genetic evidence.

Blueprint Genetics
Classification: Likely benign. Last evaluated: 2024-10-14. Review status: criteria provided, single submitter. Criteria: ACMG Guidelines, 2015. Collection method: clinical testing. Allele origin: germline.

GeneDx
Classification: Likely benign. Last evaluated: 2021-03-17. Review status: criteria provided, single submitter. Criteria: GeneDx Variant Classification Process June 2021. Collection method: clinical testing. Allele origin: germline. Affected: yes.

ARUP Laboratories, Molecular Genetics and Genomics, ARUP Laboratories
Classification: Uncertain significance. Last evaluated: 2019-03-01. Review status: criteria provided, single submitter. Criteria: ARUP Molecular Germline Variant Investigation Process. Collection method: clinical testing. Allele origin: germline.
Comment: The TTN c.16394G>A; p.Arg5465Gln variant (rs148147002; ClinVar Variation ID: 166248) is rare in the general population (<1% allele frequency in the Genome Aggregation Database) and has not been reported in the medical literature in association with dilated cardiomyopathy (DCM) or other TTN-related disease. The clinical relevance of rare missense variants in this gene, which are identified on average once per individual sequenced in affected populations (Herman 2012), is not well understood. Yet, evidence suggests that the vast majority of such missense variants do not contribute to the clinical outcome of DCM (Begay 2015). Thus, the clinical significance of the p.Arg5465Gln variant cannot be determined with certainty.

Laboratory for Molecular Medicine, Mass General Brigham Personalized Medicine
Classification: Uncertain significance. Last evaluated: 2014-05-01. Review status: criteria provided, single submitter. Criteria: LMM Criteria. Collection method: clinical testing. Allele origin: germline. Observed: 1 variant allele.
Comment: The Arg5465Gln variant in TTN has not been previously reported in individuals wi th cardiomyopathy, but has been identified in 1/4406 African American chromosome s by the NHLBI Exome Sequencing Project (dbSN P rs148147002). Computational prediction tools and conservation analysis are lim ited or unavailable for this variant. In summary, the clinical significance of t his variant is uncertain.

NM_133379.5(TTN):c.16394G>A (p.Arg5465Gln)

Gene: TTN (titin; minus strand). Cytogenetic location: 2q31.2.
Variant type: single nucleotide variant.
Coding change: c.16394G>A on transcript NM_133379.5; coding-DNA position 16394, G replaced by A.
Protein change: p.Arg5465Gln; replaces arginine 5465 with glutamine.
Molecular consequence: missense variant. On other transcripts: intron variant (6).
Genome position (GRCh38, 1-based): chr2:178,746,006, C>T on the plus strand (G>A on the coding strand, the complement: TTN is on the minus strand). VCF-style: chr2-178746006-C-T. GRCh37 (hg19) VCF-style: chr2-179610733-C-T.
Other names: p.R5465Q:CGG>CAG; c.10361-4085G>A (NM_001256850.1); c.10223-4085G>A (NM_003319.4); c.10799-4085G>A (NM_133437.4); c.10598-4085G>A (NM_133432.3); c.10360+7118G>A (NM_133378.4); c.11312-4085G>A (NM_001267550.2); c.16394G>A (NM_133379.4); short protein forms R5465Q.
Identifiers: ClinVar variation 166248 (VCV000166248.17), dbSNP rs148147002, ClinGen allele CA179064.